The following continues an entry in ClinVar:

NM_000257.4(MYH7):c.1750G>C (p.Gly584Arg)

Gene: MYH7. ClinVar aggregate classification (germline): Pathogenic. Pathogenic (1).

Submissions 8 to 17 of 17:

Mayo Clinic Laboratories, Mayo Clinic
Classification: Pathogenic. Last evaluated: 2024-02-05. Review status: criteria provided, single submitter. Criteria: ACMG Guidelines, 2015. Collection method: clinical testing. Allele origin: germline. Observed: 1 variant allele. Not counted in ClinVar's aggregate classification.
Comment: PP1_moderate, PP3, PM1, PM2, PS4

Revvity Omics, Revvity
Classification: Pathogenic. Last evaluated: 2023-09-29. Review status: criteria provided, single submitter. Criteria: ACMG Guidelines, 2015. Collection method: clinical testing. Allele origin: germline. Not counted in ClinVar's aggregate classification.

CHEO Genetics Diagnostic Laboratory, Children's Hospital of Eastern Ontario
Classification: Pathogenic for Cardiomyopathy. Last evaluated: 2022-07-05. Review status: criteria provided, single submitter. Criteria: ACMG Guidelines, 2015. Collection method: clinical testing. Allele origin: germline. Not counted in ClinVar's aggregate classification.

GeneDx
Classification: Pathogenic. Last evaluated: 2021-10-28. Review status: criteria provided, single submitter. Criteria: GeneDx Variant Classification Process June 2021. Collection method: clinical testing. Allele origin: germline. Affected: yes. Not counted in ClinVar's aggregate classification.
Comment: Classified in ClinVar as a pathogenic variant by the ClinGen Inherited Cardiomyopathy Expert Panel (ClinVar Variant ID# 14090; Landrum et al., 2016); Not observed at a significant frequency in large population cohorts (Lek et al., 2016); Functional studies demonstrate that this variant causes myofibril disarray in embryonic chicken cardiomyocytes (Wang et al., 2003); In silico analysis supports that this missense variant has a deleterious effect on protein structure/function; This variant is associated with the following publications: (PMID: 8250038, 7731997, 9062359, 21769673, 23408646, 27639548, 27247418, 1552912, 8335820, 22429680, 24093860, 28606303, 28166811, 21310275, 27532257, 25611685, 28193612, 29300372, 10567705, 30275503, 31447099, 12953063)

AiLife Diagnostics
Classification: Likely pathogenic. Last evaluated: 2021-05-28. Review status: criteria provided, single submitter. Criteria: ACMG Guidelines, 2015. Collection method: clinical testing. Allele origin: germline. Affected: yes. Observed: 1 variant allele. Not counted in ClinVar's aggregate classification.

Laboratory for Molecular Medicine, Mass General Brigham Personalized Medicine
Classification: Pathogenic for Hypertrophic cardiomyopathy. Last evaluated: 2021-02-19. Review status: criteria provided, single submitter. Criteria: LMM Criteria. Collection method: clinical testing. Allele origin: germline. Inheritance: Autosomal dominant inheritance. Observed: 33 variant alleles. Not counted in ClinVar's aggregate classification.
Comment: The p.Gly584Arg variant in MYH7 has been reported in at least 8 individuals with HCM (Watkins 1993 PMID:8250038, Nier 1999 PMID:10567705, Santos 2012 PMID: 22429680, Marsiglia 2013 PMID:24093860) and has been identified by our laboratory in >20 individuals with HCM. Furthermore, this variant segregated with disease in 5 affected members (including 1 obligate carrier) from 4 families (Watkins 1993 PMID:8250038, LMM data). It has also been identified in 0.001% (1/113768) of European chromosomes by gnomAD. This variant lies in the head region of the protein and missense variants in this region are statistically more likely to be disease-associated (Walsh 2017 PMID:27532257). In vitro functional studies support an impact on protein function (Fujita 1998 PMID:9062359, Wang 2003 PMID:12953063) and computational prediction tools and conservation analyses are consistent with pathogenicity. Additionally, this variant was classified as pathogenic on 12/15/2016 by the ClinGen-approved Cardiomyopathy expert panel (Variation ID 14090). In summary, this variant meets criteria to be classified as pathogenic for autosomal dominant HCM. ACMG/AMP criteria applied: PS4, PP1_Moderate, PM2_supporting, PM1, PS3_Supporting, PP3.

Blueprint Genetics
Classification: Pathogenic for MYH7-related disorders. Last evaluated: 2020-02-12. Review status: criteria provided, single submitter. Criteria: ACMG Guidelines, 2015. Collection method: clinical testing. Allele origin: germline. Affected: yes. Observed: 3 variant alleles. Not counted in ClinVar's aggregate classification.

Stanford Center for Inherited Cardiovascular Disease, Stanford University
Classification: Likely pathogenic. Last evaluated: 2014-10-07. Review status: criteria provided, single submitter. Criteria: ACMG Guidelines, 2015. Collection method: provider interpretation. Allele origin: germline. Not counted in ClinVar's aggregate classification.

Laboratory of Genetics and Molecular Cardiology, University of São Paulo
Classification: Likely pathogenic for Hypertrophic cardiomyopathy 1. Review status: criteria provided, single submitter. Criteria: LGCM Criteria August 2015. Collection method: clinical testing. Allele origin: germline. Inheritance: Autosomal dominant inheritance. Affected: yes. Observed: 3 variant alleles. Study: Sarcomeric Human Cardiomyopathy Registry (ShaRe). Not counted in ClinVar's aggregate classification.

OMIM
Classification: Pathogenic for CARDIOMYOPATHY, FAMILIAL HYPERTROPHIC, 1. Last evaluated: 1992-04-23. Review status: no assertion criteria provided. Collection method: literature only. Allele origin: germline. Not counted in ClinVar's aggregate classification.

Literature cited by the submitters: PubMed 1552912 (cited by 6 submitters); PubMed 27532257 (cited by 6 submitters); PubMed 10567705 (cited by 4 submitters); PubMed 24093860 (cited by 6 submitters); PubMed 29300372 (cited by 4 submitters); PubMed 30297972 (cited by Dasa and Illumina Laboratory Services, Illumina); PubMed 8250038 (cited by 4 submitters); PubMed 22429680 (cited by 3 submitters); PubMed 12953063 (cited by 5 submitters); PubMed 12974739 (cited by Labcorp Genetics (formerly Invitae), Labcorp); PubMed 23283745 (cited by Labcorp Genetics (formerly Invitae), Labcorp); PubMed 24510615 (cited by Labcorp Genetics (formerly Invitae), Labcorp); PubMed 26187847 (cited by Labcorp Genetics (formerly Invitae), Labcorp); PubMed 21310275 (cited by 3 submitters); PubMed 21769673 (cited by 3 submitters); PubMed 23408646 (cited by Ambry Genetics and Laboratory for Molecular Medicine, Mass General Brigham Personalized Medicine); PubMed 27247418 (cited by 4 submitters); PubMed 28193612 (cited by Ambry Genetics and Mayo Clinic Laboratories, Mayo Clinic); PubMed 7731997 (cited by 3 submitters); PubMed 8335820 (cited by Ambry Genetics and Laboratory for Molecular Medicine, Mass General Brigham Personalized Medicine); PubMed 9062359 (cited by Ambry Genetics and Laboratory for Molecular Medicine, Mass General Brigham Personalized Medicine); PubMed 31447099 (cited by Mayo Clinic Laboratories, Mayo Clinic and AiLife Diagnostics); PubMed 37652022 (cited by Mayo Clinic Laboratories, Mayo Clinic).